The following is an entry in ClinVar:

ClinVar aggregate classification (germline): Uncertain significance (1 of 4 stars; one submission).

Conditions:
Progressive sclerosing poliodystrophy (MTDPS4A). Also called: ALPERS PROGRESSIVE INFANTILE POLIODYSTROPHY; NEURONAL DEGENERATION OF CHILDHOOD WITH LIVER DISEASE, PROGRESSIVE; Alpers Syndrome; ALPERS DIFFUSE DEGENERATION OF CEREBRAL GRAY MATTER WITH HEPATIC CIRRHOSIS; Alpers-Huttenlocher Syndrome; Mitochondrial DNA depletion syndrome 4A (Alpers type). Identifiers: Orphanet 726, MedGen C0205710, MONDO:0008758, OMIM 203700.

Submission:

Labcorp Genetics (formerly Invitae), Labcorp
Classification: Uncertain significance for Progressive sclerosing poliodystrophy. Last evaluated: 2023-10-10. Review status: criteria provided, single submitter. Criteria: Invitae Variant Classification Sherloc (09022015). Collection method: clinical testing. Allele origin: germline.
Comment: This sequence change replaces serine, which is neutral and polar, with tyrosine, which is neutral and polar, at codon 216 of the POLG protein (p.Ser216Tyr). This variant is not present in population databases (gnomAD no frequency). This variant has not been reported in the literature in individuals affected with POLG-related conditions. Advanced modeling of protein sequence and biophysical properties (such as structural, functional, and spatial information, amino acid conservation, physicochemical variation, residue mobility, and thermodynamic stability) performed at Invitae indicates that this missense variant is expected to disrupt POLG protein function. In summary, the available evidence is currently insufficient to determine the role of this variant in disease. Therefore, it has been classified as a Variant of Uncertain Significance.

NM_002693.3(POLG):c.647C>A (p.Ser216Tyr)

Genes: POLG (DNA polymerase gamma, catalytic subunit; minus strand), POLGARF (POLG alternative reading frame; minus strand). Cytogenetic location: 15q26.1.
Variant type: single nucleotide variant.
Coding change: c.647C>A on transcript NM_002693.3 (MANE Select); coding-DNA position 647, C replaced by A.
Protein change: p.Ser216Tyr; replaces serine 216 with tyrosine.
Molecular consequence: missense variant.
Genome position (GRCh38, 1-based): chr15:89,333,108, G>T on the plus strand (C>A on the coding strand, the complement: POLG is on the minus strand). VCF-style: chr15-89333108-G-T. GRCh37 (hg19) VCF-style: chr15-89876339-G-T.
Other names: c.647C>A, p.Ser216Tyr (NM_001126131.2); short protein forms S216Y.
Identifiers: ClinVar variation 2745240 (VCV002745240.3), dbSNP rs763592738, ClinGen allele CA393770182.
Genomic context (GRCh38, chr15:89,333,108, plus strand): 5'-AGCTGGGCCCCCATGCCTGCTTATGTCCCCAACCCTGCCCCTACTTACCAGGCCGAGGGG[G>T]ATATGGCCACCGCCAATGTGGGGCAAGTTCCCTCTGCCAAGCAGACCTCCACGTCGAACA-3'
Protein context (NP_002684.1, residues 206-226): GTCPTLAVAI[Ser216Tyr]PSAWYSWCSQ